The following is an entry in ClinVar:

NM_000257.4(MYH7):c.345+1G>A

Gene: MYH7 (myosin heavy chain 7; minus strand). Cytogenetic location: 14q11.2.
Variant type: single nucleotide variant.
Coding change: c.345+1G>A on transcript NM_000257.4 (MANE Select); the canonical splice donor site of the intron after coding-DNA position 345, G replaced by A.
Molecular consequence: splice donor variant.
Genome position (GRCh38, 1-based): chr14:23,433,083, C>T on the plus strand (G>A on the coding strand, the complement: MYH7 is on the minus strand). VCF-style: chr14-23433083-C-T. GRCh37 (hg19) VCF-style: chr14-23902292-C-T.
Other names: c.345+1G>A (NM_001407004.1).
Identifiers: ClinVar variation 862006 (VCV000862006.23), dbSNP rs112907315, ClinGen allele CA037387.

ClinVar aggregate classification (germline): Uncertain significance. Review status: criteria provided, multiple submitters, no conflicts (2 of 4 stars). 12 submissions from 7 submitters: Uncertain significance (11). 1 of the submissions does not count toward it. Last evaluated 2025-08-20.

Conditions:
Myosin storage myopathy (CMYO7A). Also called: MYOPATHY WITH LYSIS OF TYPE I MYOFIBRILS; MYOPATHY, HYALINE BODY, AUTOSOMAL DOMINANT; Scapuloperoneal myopathy, MYH7-related; MYH7-related late-onset scapuloperoneal muscular dystrophy; Congenital myopathy 7A, myosin storage, autosomal dominant; SCAPULOPERONEAL MUSCULAR DYSTROPHY. Identifiers: Orphanet 437572, Orphanet 636965, MedGen C1842160, MONDO:0008409, OMIM 608358.
Cardiomyopathy (CMYO). Also called: Cardiomyopathies. Identifiers: Orphanet 167848, MedGen C0878544, MONDO:0004994, HP:0001638. Inheritance: Various modes of inheritance.
Hypertrophic cardiomyopathy 1 (CMH1). Also called: MYH7-Related Familial Hypertrophic Cardiomyopathy; Familial hypertrophic cardiomyopathy 1. Identifiers: MedGen C3495498, MONDO:0008647, OMIM 192600.
MYH7-related skeletal myopathy. Also called: Laing distal myopathy; MYOPATHY, DISTAL, EARLY-ONSET, AUTOSOMAL DOMINANT; MYOPATHY, LATE DISTAL HEREDITARY; Myopathy, distal, 1; Laing early-onset distal myopathy. Identifiers: Orphanet 59135, MedGen C4552004, MONDO:0008050, OMIM 160500.
Hypertrophic cardiomyopathy. Also called: HYPERTROPHIC MYOCARDIOPATHY. Identifiers: Orphanet 217569, MedGen C0007194, MeSH D002312, MONDO:0005045, HP:0001639.
Myopathy, myosin storage, autosomal recessive (CMYO7B). Also called: CONGENITAL MYOPATHY 7B, MYOSIN STORAGE, AUTOSOMAL RECESSIVE. Identifiers: Orphanet 636970, MedGen C1850709, MONDO:0009708, OMIM 255160.
Cardiovascular phenotype. Identifiers: MedGen CN230736.
Dilated cardiomyopathy 1S (CMD1S). Identifiers: Orphanet 154, Orphanet 54260, MedGen C1834481, MONDO:0013262, OMIM 613426.

Allele frequency attached by ClinVar (database versions not stated): gnomAD below 0.00001 and 0.00001; gnomAD exomes 0.00001 and 0.00002; ExAC 0.00002.
gnomAD v4.1: 18 of 1,613,970 alleles (0.0011%); highest among the groups gnomAD compares: East Asian, 0.0022%; no homozygotes.

Submissions (12):

Color Diagnostics, LLC DBA Color Health
Classification: Uncertain significance for Cardiomyopathy. Last evaluated: 2025-08-20. Review status: criteria provided, single submitter. Criteria: ACMG Guidelines, 2015. Collection method: clinical testing. Allele origin: germline.
Comment: This variant causes a G to A nucleotide substitution at the +1 position of intron 4 of the MYH7 gene. Splice site prediction tools suggest that this variant may have a significant impact on RNA splicing. To our knowledge, functional studies have not been reported for this variant. This variant has been reported in an individual affected with idiopathic ventricular fibrillation and myopathy (PMID: 29343803). It has also been reported in an individual affected with ischemic cardiomyopathy and cardiac amyloidosis who also carried a pathogenic variant in the TTR gene (PMID: 36923113). This variant has been identified in 4/251260 chromosomes in the general population by the Genome Aggregation Database (gnomAD). Clinical relevance of loss-of-function MYH7 splice and truncation variants in autosomal dominant cardiovascular disorders is not clearly established. The available evidence is insufficient to determine the role of this variant in disease conclusively. Therefore, this variant is classified as a Variant of Uncertain Significance.

Labcorp Genetics (formerly Invitae), Labcorp
Classification: Uncertain significance for Hypertrophic cardiomyopathy. Last evaluated: 2025-06-02. Review status: criteria provided, single submitter. Criteria: Invitae Variant Classification Sherloc (09022015). Collection method: clinical testing. Allele origin: germline.
Comment: This sequence change affects a donor splice site in intron 4 of the MYH7 gene. It is expected to disrupt RNA splicing. Variants that disrupt the donor or acceptor splice site typically lead to a loss of protein function (PMID: 16199547), however the current clinical and genetic evidence is not sufficient to establish whether loss-of-function variants in MYH7 cause disease. This variant is present in population databases (rs112907315, gnomAD 0.003%). Disruption of this splice site has been observed in individual(s) with idiopathic ventricular fibrillation and myopathy (PMID: 29343803). ClinVar contains an entry for this variant (Variation ID: 862006). Algorithms developed to predict the effect of sequence changes on RNA splicing suggest that this variant may disrupt the consensus splice site. In summary, the available evidence is currently insufficient to determine the role of this variant in disease. Therefore, it has been classified as a Variant of Uncertain Significance.

Molecular Diagnostic Laboratory for Inherited Cardiovascular Disease, Montreal Heart Institute
Classification: Uncertain significance for Cardiovascular phenotype. Last evaluated: 2025-04-08. Review status: criteria provided, single submitter. Criteria: ACMG Guidelines, 2015. Collection method: clinical testing. Allele origin: germline. Affected: yes.
Comment: PVS1_mod, PM2, PS4_supp

Ambry Genetics
Classification: Uncertain significance for Cardiovascular phenotype. Last evaluated: 2024-07-25. Review status: criteria provided, single submitter. Criteria: Ambry Variant Classification Scheme 2023. Collection method: clinical testing. Allele origin: germline.
Comment: The c.345+1G>A intronic variant results from a G to A substitution one nucleotide after coding exon 2 of the MYH7 gene. This variant has been identified in an individual with idiopathic ventricular fibrillation and myopathy (Broendberg AK et al. Eur. J. Hum. Genet., 2018 03;26:303-313). This nucleotide position is highly conserved in available vertebrate species. In silico splice site analysis predicts that this alteration will weaken the native splice donor site. Alterations that disrupt the canonical splice site are expected to cause aberrant splicing, resulting in an abnormal protein or a transcript that is subject to nonsense-mediated mRNA decay. However, loss of function of MYH7 has not been clearly established as a mechanism of disease. Based on the available evidence, the clinical significance of this variant remains unclear.

All of Us Research Program, National Institutes of Health
Classification: Uncertain significance for Cardiomyopathy. Last evaluated: 2024-05-17. Review status: criteria provided, single submitter. Criteria: ACMG Guidelines, 2015. Collection method: clinical testing. Allele origin: germline. Inheritance: Autosomal dominant inheritance. Observed: 5 variant alleles, 5 heterozygotes.
Comment: This variant causes a G to A nucleotide substitution at the +1 position of intron 4 of the MYH7 gene. Splice site prediction tools suggest that this variant may have a significant impact on RNA splicing. To our knowledge, functional studies have not been reported for this variant. This variant has been reported in an individual affected with idiopathic ventricular fibrillation and myopathy (PMID: 29343803). It has also been reported in an individual affected with ischemic cardiomyopathy and cardiac amyloidosis who also carried a pathogenic variant in the TTR gene (PMID: 36923113). This variant has been identified in 4/251260 chromosomes in the general population by the Genome Aggregation Database (gnomAD). Clinical relevance of loss-of-function MYH7 splice and truncation variants in autosomal dominant cardiovascular disorders is not clearly established. The available evidence is insufficient to determine the role of this variant in disease conclusively. Therefore, this variant is classified as a Variant of Uncertain Significance.

This study involves interpretation of variants in research participants for the purpose of population health screening. Participant phenotype was not available at the time of variant classification. Additional details can be found in publication PMID: 35346344, PMCID: PMC8962531

Baylor Genetics
Classification: Uncertain significance for Dilated cardiomyopathy 1S. Last evaluated: 2022-09-09. Review status: criteria provided, single submitter. Criteria: ACMG Guidelines, 2015. Collection method: clinical testing. Allele origin: unknown.

Baylor Genetics
Classification: Uncertain significance for Hypertrophic cardiomyopathy 1. Last evaluated: 2022-09-09. Review status: criteria provided, single submitter. Criteria: ACMG Guidelines, 2015. Collection method: clinical testing. Allele origin: unknown.

Baylor Genetics
Classification: Uncertain significance for Myopathy, myosin storage, autosomal recessive. Last evaluated: 2022-09-09. Review status: criteria provided, single submitter. Criteria: ACMG Guidelines, 2015. Collection method: clinical testing. Allele origin: unknown.

Baylor Genetics
Classification: Uncertain significance for Myosin storage myopathy. Last evaluated: 2022-09-09. Review status: criteria provided, single submitter. Criteria: ACMG Guidelines, 2015. Collection method: clinical testing. Allele origin: unknown.

Baylor Genetics
Classification: Uncertain significance for MYH7-related skeletal myopathy. Last evaluated: 2022-09-09. Review status: criteria provided, single submitter. Criteria: ACMG Guidelines, 2015. Collection method: clinical testing. Allele origin: unknown.

GeneDx
Classification: Uncertain significance. Last evaluated: 2019-10-18. Review status: criteria provided, single submitter. Criteria: GeneDx Variant Classification Process June 2021. Collection method: clinical testing. Allele origin: germline. Affected: yes.
Comment: Not observed at a significant frequency in large population cohorts (Lek et al., 2016); This variant is associated with the following publications: (PMID: 29343803)

Baylor Genetics
Classification: Uncertain significance for Myosin storage myopathy. Last evaluated: 2022-09-09. Review status: flagged submission. Criteria: ACMG Guidelines, 2015. Collection method: clinical testing. Allele origin: unknown. Not counted in ClinVar's aggregate classification.
ClinVar note: Reason: This record appears to be redundant with a more recent record from the same submitter.
ClinVar note: Notes: SCV003835528 appears to be redundant with SCV003835530.

Literature cited by the submitters: PubMed 29343803 (cited by 4 submitters); PubMed 36923113 (cited by Color Diagnostics, LLC DBA Color Health and All of Us Research Program, National Institutes of Health); PubMed 16199547 (cited by Labcorp Genetics (formerly Invitae), Labcorp).